The following is an entry in ClinVar:

ClinVar aggregate classification (germline): Likely benign (1 of 4 stars; one submission).

Conditions:
Leigh syndrome (NULS). Also called: Leigh's necrotizing encephalopathy; Leigh's disease; Leigh Syndrome (mtDNA deletion); Leigh Disease; Subacute necrotizing encephalopathy; Necrotizing encephalopathy infantile subacute of Leigh. Identifiers: Orphanet 506, MedGen C2931891, MONDO:0009723, OMIM 256000.

Submission:

Wong Mito Lab, Molecular and Human Genetics, Baylor College of Medicine
Classification: Likely benign for Leigh syndrome. Last evaluated: 2019-10-17. Review status: criteria provided, single submitter. Criteria: Modified ACMG Guidelines (Unpublished). Collection method: clinical testing. Allele origin: germline.
Comment: The NC_012920.1:m.5067A>G (YP_003024027.1:p.Met200Val) variant in MTND2 gene is interpretated to be a Likely Benign variant based on the modified ACMG guidelines (unpublished). This variant meets the following evidence codes: BP4, BP6

NC_012920.1(MT-ND2):m.5067A>G

Gene: MT-ND2 (mitochondrially encoded NADH dehydrogenase 2; plus strand).
Variant type: single nucleotide variant.
Genome position: chrM-5067-A-G.
Identifiers: ClinVar variation 692538 (VCV000692538.1), dbSNP rs1603219758, ClinGen allele CA414778739.